The following is an entry in ClinVar:

NM_001184.4(ATR):c.4601_4615del (p.Val1534_Leu1538del)

Gene: ATR (ATR checkpoint kinase; minus strand). Cytogenetic location: 3q23.
Variant type: Deletion.
Coding change: c.4601_4615del on transcript NM_001184.4 (MANE Select); coding-DNA positions 4601 to 4615, 15 bases deleted (TGTATGTCTTACTGG).
Protein change: p.Val1534_Leu1538del.
Molecular consequence: inframe deletion.
Genome position (GRCh38, 1-based): chr3:142,513,527-142,513,541, CCAGTAAGACATACA deleted on the plus strand (TGTATGTCTTACTGG on the coding strand, the reverse complement: ATR is on the minus strand); deleting any 15 consecutive bases within chr3:142,513,527-142,513,545 gives the same sequence; the c. name uses the placement nearest the transcript's 3' end. VCF-style (leftmost placement, unchanged base first): chr3-142513526-CCCAGTAAGACATACA-C. GRCh37 (hg19) VCF-style: chr3-142232368-CCCAGTAAGACATACA-C.
Other names: c.4409_4423del, p.Val1470_Leu1474del (NM_001354579.2).
Identifiers: ClinVar variation 1005227 (VCV001005227.8), dbSNP rs2032698151, ClinGen allele CA436106281.

ClinVar aggregate classification (germline): Uncertain significance (1 of 4 stars; one submission).

Submission:

Labcorp Genetics (formerly Invitae), Labcorp
Classification: Uncertain significance. Last evaluated: 2020-07-08. Review status: criteria provided, single submitter. Criteria: Invitae Variant Classification Sherloc (09022015). Collection method: clinical testing. Allele origin: germline.
Comment: In summary, the available evidence is currently insufficient to determine the role of this variant in disease. Therefore, it has been classified as a Variant of Uncertain Significance. Experimental studies and prediction algorithms are not available or were not evaluated, and the functional significance of this variant is currently unknown. This variant has not been reported in the literature in individuals with ATR-related conditions. This variant is not present in population databases (ExAC no frequency). This variant, c.4601_4615del, results in the deletion of 5 amino acid(s) of the ATR protein (p.Val1534_Leu1538del), but otherwise preserves the integrity of the reading frame.